The following is an entry in ClinVar:

NM_001127221.2(CACNA1A):c.5537G>A (p.Arg1846Gln)

Gene: CACNA1A (calcium voltage-gated channel subunit alpha1 A; minus strand). Cytogenetic location: 19p13.13.
Variant type: single nucleotide variant.
Coding change: c.5537G>A on transcript NM_001127221.2 (MANE Plus Clinical); coding-DNA position 5537, G replaced by A.
Protein change: p.Arg1846Gln; replaces arginine 1846 with glutamine.
Molecular consequence: missense variant. On other transcripts: intron variant (4).
Genome position (GRCh38, 1-based): chr19:13,228,790, C>T on the plus strand (G>A on the coding strand, the complement: CACNA1A is on the minus strand). VCF-style: chr19-13228790-C-T. GRCh37 (hg19) VCF-style: chr19-13339604-C-T.
Other names: c.5529-1263G>A (NM_001127222.2); c.5538-1263G>A (NM_001174080.2); c.5547-1263G>A (NM_000068.4, NM_023035.3); short protein forms R1846Q.
Identifiers: ClinVar variation 1691735 (VCV001691735.9), dbSNP rs770936656, ClinGen allele CA9239691.

ClinVar aggregate classification (germline): Uncertain significance. Review status: criteria provided, multiple submitters, no conflicts (2 of 4 stars). 4 submissions from 4 submitters: Uncertain significance (4). Last evaluated 2025-10-22.

Conditions:
Developmental and epileptic encephalopathy, 42 (DEE42A). Also called: DEVELOPMENTAL AND EPILEPTIC ENCEPHALOPATHY 42A; EPILEPTIC ENCEPHALOPATHY, EARLY INFANTILE, 42A; Epileptic encephalopathy, early infantile, 42. Identifiers: MedGen C4310716, MONDO:0014917, OMIM 617106.
Inborn genetic diseases. Identifiers: MedGen C0950123, MeSH D030342.
Episodic ataxia type 2 (EA2). Also called: ACETAZOLAMIDE-RESPONSIVE HEREDITARY PAROXYSMAL CEREBELLAR ATAXIA; CEREBELLAR ATAXIA, PAROXYSMAL, ACETAZOLAMIDE-RESPONSIVE; CEREBELLOPATHY, HEREDITARY PAROXYSMAL; EPISODIC ATAXIA, NYSTAGMUS-ASSOCIATED; ATAXIA, EPISODIC, WITH NYSTAGMUS; ATAXIA, FAMILIAL PAROXYSMAL. Identifiers: Orphanet 97, MedGen C1720416, MONDO:0007163, OMIM 108500.

Allele frequency attached by ClinVar (database versions not stated): gnomAD exomes below 0.00001; TOPMed below 0.00001; ExAC 0.00001.
gnomAD v4.1: 9 of 1,579,890 alleles (0.00057%); highest among the groups gnomAD compares: African/African-American, 0.0014%; no homozygotes.

Submissions (4):

Labcorp Genetics (formerly Invitae), Labcorp
Classification: Uncertain significance for Developmental and epileptic encephalopathy, 42; Episodic ataxia type 2. Last evaluated: 2025-10-22. Review status: criteria provided, single submitter. Criteria: Invitae Variant Classification Sherloc (09022015). Collection method: clinical testing. Allele origin: germline.
Comment: This sequence change replaces arginine, which is basic and polar, with glutamine, which is neutral and polar, at codon 1846 of the CACNA1A protein (p.Arg1846Gln). The frequency data for this variant in the population databases is considered unreliable, as metrics indicate poor data quality at this position in the gnomAD database. This variant has not been reported in the literature in individuals affected with CACNA1A-related conditions. ClinVar contains an entry for this variant (Variation ID: 1691735). Invitae Evidence Modeling of protein sequence and biophysical properties (such as structural, functional, and spatial information, amino acid conservation, physicochemical variation, residue mobility, and thermodynamic stability) has been performed for this missense variant. However, the output from this modeling did not meet the statistical confidence thresholds required to predict the impact of this variant on CACNA1A protein function. In summary, the available evidence is currently insufficient to determine the role of this variant in disease. Therefore, it has been classified as a Variant of Uncertain Significance.

MVZ Martinsried, Medicover Genetics
Classification: Uncertain significance for Developmental and epileptic encephalopathy, 42. Last evaluated: 2025-10-07. Review status: criteria provided, single submitter. Criteria: ClinGen Variant Curation SOP V3.2 + Classification Guidance July2025. Collection method: clinical testing. Allele origin: inherited. Affected: yes. Observed: 1 heterozygote.

GeneDx
Classification: Uncertain significance. Last evaluated: 2024-05-16. Review status: criteria provided, single submitter. Criteria: GeneDx Variant Classification Process June 2021. Collection method: clinical testing. Allele origin: germline. Affected: yes.
Comment: Not observed at significant frequency in large population cohorts (gnomAD); In silico analysis supports that this missense variant has a deleterious effect on protein structure/function; Has not been previously published as pathogenic or benign to our knowledge

Ambry Genetics
Classification: Uncertain significance for Inborn genetic diseases. Last evaluated: 2022-05-16. Review status: criteria provided, single submitter. Criteria: Ambry Variant Classification Scheme 2023. Collection method: clinical testing. Allele origin: germline.